The following is an entry in ClinVar:

ClinVar aggregate classification (germline): Uncertain significance (1 of 4 stars; one submission).

Submission:

GeneDx
Classification: Uncertain significance. Last evaluated: 2025-01-30. Review status: criteria provided, single submitter. Criteria: GeneDx Variant Classification Process June 2021. Collection method: clinical testing. Allele origin: germline. Affected: yes.
Comment: Not observed at significant frequency in large population cohorts (gnomAD); In silico analysis supports that this missense variant has a deleterious effect on protein structure/function; Has not been previously published as pathogenic or benign to our knowledge

NM_000742.4(CHRNA2):c.938T>G (p.Leu313Arg)

Gene: CHRNA2 (cholinergic receptor nicotinic alpha 2 subunit; minus strand). Cytogenetic location: 8p21.2.
Variant type: single nucleotide variant.
Coding change: c.938T>G on transcript NM_000742.4 (MANE Select); coding-DNA position 938, T replaced by G.
Protein change: p.Leu313Arg; replaces leucine 313 with arginine.
Molecular consequence: missense variant.
Genome position (GRCh38, 1-based): chr8:27,463,505, A>C on the plus strand (T>G on the coding strand, the complement: CHRNA2 is on the minus strand). VCF-style: chr8-27463505-A-C. GRCh37 (hg19) VCF-style: chr8-27321022-A-C.
Other names: c.893T>G, p.Leu298Arg (NM_001282455.2); c.461T>G, p.Leu154Arg (NM_001347705.2, NM_001347706.2); c.344T>G, p.Leu115Arg (NM_001347707.2, NM_001347708.2); short protein forms L115R, L154R, L298R, L313R.
Identifiers: ClinVar variation 4072709 (VCV004072709.1).